The following is an entry in ClinVar:

NM_002485.5(NBN):c.1125-79C>A

Gene: NBN (nibrin; minus strand). Cytogenetic location: 8q21.3.
Variant type: single nucleotide variant.
Coding change: c.1125-79C>A on transcript NM_002485.5 (MANE Select); 79 bases into the intron before coding-DNA position 1125, C replaced by A.
Molecular consequence: intron variant.
Genome position (GRCh38, 1-based): chr8:89,955,634, G>T on the plus strand (C>A on the coding strand, the complement: NBN is on the minus strand). VCF-style: chr8-89955634-G-T. GRCh37 (hg19) VCF-style: chr8-90967862-G-T.
Other names: c.879-79C>A (NM_001024688.3).
Identifiers: ClinVar variation 1239473 (VCV001239473.6), dbSNP rs1805786, ClinGen allele CA12816114.

ClinVar aggregate classification (germline): Benign. Review status: criteria provided, multiple submitters, no conflicts (2 of 4 stars). 3 submissions from 3 submitters: Benign (3). Last evaluated 2024-01-24.

Allele frequency attached by ClinVar (database versions not stated): gnomAD 0.32531 and 0.33098; TOPMed 0.32621; 1000 Genomes Project 30x 0.36805; 1000 Genomes Project 0.37520.
gnomAD v4.1: 478,865 of 1,428,956 alleles (34%); highest among the groups gnomAD compares: East Asian, 48%; 81,713 homozygotes.

Submissions (3):

Unidad de Genómica Garrahan, Hospital de Pediatría Garrahan
Classification: Benign. Last evaluated: 2024-01-24. Review status: criteria provided, single submitter. Criteria: ACMG Guidelines, 2015. Collection method: clinical testing. Allele origin: germline. Affected: no. Observed: 41 variant alleles.
Comment: This variant is classified as Benign based on local population frequency. This variant was detected in 43% of patients studied by a panel of primary immunodeficiencies. Number of patients: 41. Only high quality variants are reported.

GeneDx
Classification: Benign. Last evaluated: 2015-03-03. Review status: criteria provided, single submitter. Criteria: GeneDx Variant Classification Process June 2021. Collection method: clinical testing. Allele origin: germline. Affected: yes.

Breakthrough Genomics
Classification: Benign. Review status: criteria provided, single submitter. Criteria: ACMG Guidelines, 2015. Collection method: not provided. Allele origin: germline. Inheritance: Autosomal recessive inheritance. Affected: yes.